The following is an entry in ClinVar:

NM_138694.4(PKHD1):c.12087G>A (p.Gln4029=)

Gene: PKHD1 (PKHD1 ciliary IPT domain containing fibrocystin/polyductin; minus strand). Cytogenetic location: 6p12.3.
Variant type: single nucleotide variant.
Coding change: c.12087G>A on transcript NM_138694.4 (MANE Select); coding-DNA position 12087, G replaced by A.
Protein change: p.Gln4029=; no amino-acid change (glutamine 4029 retained).
Molecular consequence: synonymous variant.
Genome position (GRCh38, 1-based): chr6:51,619,219, C>T on the plus strand (G>A on the coding strand, the complement: PKHD1 is on the minus strand). VCF-style: chr6-51619219-C-T. GRCh37 (hg19) VCF-style: chr6-51484017-C-T.
Identifiers: ClinVar variation 705412 (VCV000705412.14), dbSNP rs750130747, ClinGen allele CA3850621.

ClinVar aggregate classification (germline): Likely benign. Review status: criteria provided, multiple submitters, no conflicts (2 of 4 stars). 3 submissions from 3 submitters: Likely benign (2). 1 of the submissions does not count toward it. Last evaluated 2025-12-03.

Conditions:
Polycystic kidney disease 4 (PKD4). Also called: PKD3; POLYCYSTIC KIDNEY AND HEPATIC DISEASE 1; POLYCYSTIC KIDNEY DISEASE, INFANTILE, TYPE I; POLYCYSTIC KIDNEY DISEASE 4 WITH OR WITHOUT POLYCYSTIC LIVER DISEASE; Autosomal Recessive Polycystic Kidney Disease – PKHD1. Identifiers: MedGen C4540575, MONDO:0033004, OMIM 263200.
PKHD1-related disorder. Also called: PKHD1-related condition.
Autosomal recessive polycystic kidney disease (ARPKD). Also called: AR polycystic kidney disease. Identifiers: Orphanet 731, Orphanet 8378, MedGen C0085548, MeSH D017044, MONDO:0009889.

Allele frequency attached by ClinVar (database versions not stated): gnomAD exomes 0.00004 and 0.00009; TOPMed 0.00004; ExAC 0.00006.
gnomAD v4.1: 24 of 1,614,278 alleles (0.0015%); highest among the groups gnomAD compares: Admixed American, 0.04%; no homozygotes.

Submissions (3):

Labcorp Genetics (formerly Invitae), Labcorp
Classification: Likely benign for Autosomal recessive polycystic kidney disease. Last evaluated: 2025-12-03. Review status: criteria provided, single submitter. Criteria: Invitae Variant Classification Sherloc (09022015). Collection method: clinical testing. Allele origin: germline.

Fulgent Genetics
Classification: Likely benign for Polycystic kidney disease 4. Last evaluated: 2021-09-30. Review status: criteria provided, single submitter. Criteria: ACMG Guidelines, 2015. Collection method: clinical testing. Allele origin: unknown.

PreventionGenetics, part of Exact Sciences
Classification: Likely benign for PKHD1-related condition. Last evaluated: 2022-10-24. Review status: no assertion criteria provided. Collection method: clinical testing. Allele origin: germline. Not counted in ClinVar's aggregate classification.
Comment: This variant is classified as likely benign based on ACMG/AMP sequence variant interpretation guidelines (Richards et al. 2015 PMID: 25741868, with internal and published modifications).